The following is an entry in ClinVar:

NM_015331.3(NCSTN):c.1179+59C>T

Gene: NCSTN (nicastrin; plus strand). Cytogenetic location: 1q23.2.
Variant type: single nucleotide variant.
Coding change: c.1179+59C>T on transcript NM_015331.3 (MANE Select); 59 bases into the intron after coding-DNA position 1179, C replaced by T.
Molecular consequence: intron variant.
Genome position (GRCh38, 1-based): chr1:160,353,296, C>T. VCF-style: chr1-160353296-C-T. GRCh37 (hg19) VCF-style: chr1-160323086-C-T.
Other names: c.1119+59C>T (NM_001290184.2); c.1179+59C>T (NM_001349729.2); c.765+59C>T (NM_001290186.2).
Identifiers: ClinVar variation 4072299 (VCV004072299.1).

ClinVar aggregate classification (germline): Uncertain significance (1 of 4 stars; one submission).

Conditions:
Acne inversa, familial, 1. Identifiers: MedGen C4551962, MONDO:0007728, OMIM 142690.

Submission:

3billion
Classification: Uncertain significance for Acne inversa, familial, 1. Last evaluated: 2024-08-17. Review status: criteria provided, single submitter. Criteria: ACMG Guidelines, 2015. Collection method: clinical testing. Allele origin: germline. Affected: yes.
Comment: The variant is observed at an extremely low frequency in the gnomAD v4.0.0 dataset (total allele frequency: <0.001%). Predicted Consequence/Location: Intron variant In silico tools predict the variant to alter splicing and produce an abnormal transcript [SpliceAI: 0.30 (>=0.2, moderate evidence for spliceogenicity)]. Therefore, this variant is classified as VUS according to the recommendation of ACMG/AMP guideline.